The following is an entry in ClinVar:

ClinVar aggregate classification (germline): Likely benign (0 of 4 stars; one submission).

Conditions:
COG6-related disorder.

Allele frequency attached by ClinVar (database versions not stated): gnomAD exomes 0.00001.
gnomAD v4.1: 8 of 1,611,154 alleles (0.0005%); highest among the groups gnomAD compares: Non-Finnish European, 0.00068%; no homozygotes.

Submission:

PreventionGenetics, part of Exact Sciences
Classification: Likely benign for COG6-related condition. Last evaluated: 2020-08-03. Review status: no assertion criteria provided. Collection method: clinical testing. Allele origin: germline.
Comment: This variant is classified as likely benign based on ACMG/AMP sequence variant interpretation guidelines (Richards et al. 2015 PMID: 25741868, with internal and published modifications).

NM_020751.3(COG6):c.297+4T>C

Gene: COG6 (component of oligomeric golgi complex 6; plus strand). Cytogenetic location: 13q14.11.
Variant type: single nucleotide variant.
Coding change: c.297+4T>C on transcript NM_020751.3 (MANE Select); 4 bases into the intron after coding-DNA position 297, T replaced by C.
Molecular consequence: intron variant.
Genome position (GRCh38, 1-based): chr13:39,659,511, T>C. VCF-style: chr13-39659511-T-C. GRCh37 (hg19) VCF-style: chr13-40233648-T-C.
Other names: c.297+4T>C (NM_001145079.2).
Identifiers: ClinVar variation 3036174 (VCV003036174.2), dbSNP rs1164875548, ClinGen allele CA609456923.